The following is an entry in ClinVar:

ClinVar aggregate classification (germline): Pathogenic (1 of 4 stars; one submission).

Submission:

Labcorp Genetics (formerly Invitae), Labcorp
Classification: Pathogenic. Last evaluated: 2024-02-24. Review status: criteria provided, single submitter. Criteria: Invitae Variant Classification Sherloc (09022015). Collection method: clinical testing. Allele origin: germline.
Comment: This sequence change creates a premature translational stop signal (p.Tyr1818*) in the RP1 gene. While this is not anticipated to result in nonsense mediated decay, it is expected to disrupt the last 339 amino acid(s) of the RP1 protein. This variant is not present in population databases (gnomAD no frequency). This variant has not been reported in the literature in individuals affected with RP1-related conditions. ClinVar contains an entry for this variant (Variation ID: 2084854). This variant disrupts a region of the RP1 protein in which other variant(s) (p.Ile2061Serfs*12) have been determined to be pathogenic (PMID: 29425069, 30027431; Invitae). This suggests that this is a clinically significant region of the protein, and that variants that disrupt it are likely to be disease-causing. For these reasons, this variant has been classified as Pathogenic.

Literature cited by the submitters: PubMed 29425069; PubMed 30027431.

NM_006269.2(RP1):c.5454C>G (p.Tyr1818Ter)

Genes: RP1 (RP1 axonemal microtubule associated; plus strand), LOC126860392 (CDK7 strongly-dependent group 2 enhancer GRCh37_chr8:55541319-55542518; plus strand). Cytogenetic location: 8q12.1.
Variant type: single nucleotide variant.
Coding change: c.5454C>G on transcript NM_006269.2 (MANE Select); coding-DNA position 5454, C replaced by G.
Protein change: p.Tyr1818Ter; replaces tyrosine 1818 with a stop codon.
Molecular consequence: nonsense. On other transcripts: intron variant (1).
Genome position (GRCh38, 1-based): chr8:54,629,336, C>G. VCF-style: chr8-54629336-C-G. GRCh37 (hg19) VCF-style: chr8-55541896-C-G.
Other names: c.787+7048C>G (NM_001375654.1); short protein forms Y1818*.
Identifiers: ClinVar variation 2084854 (VCV002084854.4), dbSNP rs2536589593, ClinGen allele CA370986423.